The following is an entry in ClinVar:

ClinVar aggregate classification (germline): Likely benign (1 of 4 stars; one submission).

gnomAD v4.1: 1 of 1,614,192 alleles (0.000062%); highest among the groups gnomAD compares: Admixed American, 0.0017%; no homozygotes.

Submission:

CeGaT Center for Human Genetics Tuebingen
Classification: Likely benign. Last evaluated: 2025-05-01. Review status: criteria provided, single submitter. Criteria: CeGaT Center For Human Genetics Tuebingen Variant Classification Criteria Version 2. Collection method: clinical testing. Allele origin: germline. Affected: yes. Observed: 1 variant allele.
Comment: ZBTB18: BP4, BP7

NM_205768.3(ZBTB18):c.534C>T (p.Ile178=)

Gene: ZBTB18 (zinc finger and BTB domain containing 18; plus strand). Cytogenetic location: 1q44.
Variant type: single nucleotide variant.
Coding change: c.534C>T on transcript NM_205768.3 (MANE Select); coding-DNA position 534, C replaced by T.
Protein change: p.Ile178=; no amino-acid change (isoleucine 178 retained).
Molecular consequence: synonymous variant.
Genome position (GRCh38, 1-based): chr1:244,054,308, C>T. VCF-style: chr1-244054308-C-T. GRCh37 (hg19) VCF-style: chr1-244217610-C-T.
Other names: c.507C>T, p.Ile169= (NM_001278196.2, NM_006352.5); c.534C>T, p.Ile178= (NM_001421566.1).
Identifiers: ClinVar variation 3905007 (VCV003905007.10).